The following is an entry in ClinVar:

NM_025114.4(CEP290):c.5632C>T (p.Gln1878Ter)

Gene: CEP290 (centrosomal protein 290; minus strand). Cytogenetic location: 12q21.32.
Variant type: single nucleotide variant.
Coding change: c.5632C>T on transcript NM_025114.4 (MANE Select); coding-DNA position 5632, C replaced by T.
Protein change: p.Gln1878Ter; replaces glutamine 1878 with a stop codon.
Molecular consequence: nonsense.
Genome position (GRCh38, 1-based): chr12:88,077,299, G>A on the plus strand (C>T on the coding strand, the complement: CEP290 is on the minus strand). VCF-style: chr12-88077299-G-A. GRCh37 (hg19) VCF-style: chr12-88471076-G-A.
Other names: short protein forms Q1878*.
Identifiers: ClinVar variation 1442346 (VCV001442346.6), dbSNP rs2137050478, ClinGen allele CA385987708.
Genomic context (GRCh38, chr12:88,077,299, plus strand): 5'-TTAGGTCTACTTCCTCCACCTTTCCCTCTAATTGGTTCTCTAGTTTTTTAACTTTCCTTT[G>A]GAGTTCTTCAATTAGACTTTGTTTATTATCTGTCAGGGGTTTGCCCTAAAAAATAAAATG-3'

ClinVar aggregate classification (germline): Pathogenic (1 of 4 stars; one submission).

Conditions:
Joubert syndrome. Also called: CEREBELLOPARENCHYMAL DISORDER IV; JOUBERT-BOLTSHAUSER SYNDROME; Familial aplasia of the vermis. Identifiers: Orphanet 475, MedGen C5979921, MONDO:0018772.
Nephronophthisis. Also called: Juvenile Nephronophthisis. Identifiers: Orphanet 655, MedGen C0687120, MONDO:0019005, HP:0000090.
Meckel-Gruber syndrome. Also called: DYSENCEPHALIA SPLANCHNOCYSTICA; GRUBER SYNDROME; Dysencephalia splachnocystica. Identifiers: Orphanet 564, MedGen C0265215, MONDO:0018921.

Submission:

Labcorp Genetics (formerly Invitae), Labcorp
Classification: Pathogenic for Joubert syndrome; Meckel-Gruber syndrome; Nephronophthisis. Last evaluated: 2022-10-07. Review status: criteria provided, single submitter. Criteria: Invitae Variant Classification Sherloc (09022015). Collection method: clinical testing. Allele origin: germline.
Comment: For these reasons, this variant has been classified as Pathogenic. ClinVar contains an entry for this variant (Variation ID: 1442346). This sequence change creates a premature translational stop signal (p.Gln1878*) in the CEP290 gene. It is expected to result in an absent or disrupted protein product. Loss-of-function variants in CEP290 are known to be pathogenic (PMID: 16909394, 17345604, 20690115). This variant is not present in population databases (gnomAD no frequency). This variant has not been reported in the literature in individuals affected with CEP290-related conditions.

Literature cited by the submitters: PubMed 16909394; PubMed 17345604; PubMed 20690115.